The following is an entry in ClinVar:

NM_004168.4(SDHA):c.1546C>G (p.Gln516Glu)

Gene: SDHA (succinate dehydrogenase complex flavoprotein subunit A; plus strand). Cytogenetic location: 5p15.33.
Variant type: single nucleotide variant.
Coding change: c.1546C>G on transcript NM_004168.4 (MANE Select); coding-DNA position 1546, C replaced by G.
Protein change: p.Gln516Glu; replaces glutamine 516 with glutamic acid.
Molecular consequence: missense variant.
Genome position (GRCh38, 1-based): chr5:240,471, C>G. VCF-style: chr5-240471-C-G. GRCh37 (hg19) VCF-style: chr5-240586-C-G.
Other names: c.1546C>G (NM_004168.2); c.1402C>G, p.Gln468Glu (NM_001294332.2); c.1546C>G, p.Gln516Glu (NM_001330758.2); short protein forms Q516E, Q468E.
Identifiers: ClinVar variation 570677 (VCV000570677.11), dbSNP rs1251348764, ClinGen allele CA359014397.

ClinVar aggregate classification (germline): Uncertain significance. Review status: criteria provided, multiple submitters, no conflicts (2 of 4 stars). 2 submissions from 2 submitters: Uncertain significance (2). Last evaluated 2025-11-03.

Conditions:
Hereditary cancer-predisposing syndrome. Also called: Neoplastic Syndromes, Hereditary; Tumor predisposition; Hereditary neoplastic syndrome; Hereditary Cancer Syndrome. Identifiers: Orphanet 140162, MedGen C0027672, MeSH D009386, MONDO:0015356.
Mitochondrial complex II deficiency, nuclear type 1. Also called: SUCCINATE CoQ REDUCTASE DEFICIENCY. Identifiers: Orphanet 3208, MedGen C5700310, MONDO:0100294, OMIM 252011.
Pheochromocytoma/paraganglioma syndrome 5. Also called: Paragangliomas 5; SDHA-Related Hereditary Paraganglioma-Pheochromocytoma Syndrome. Identifiers: Orphanet 29072, MedGen C3279992, MONDO:0013602, OMIM 614165.

Allele frequency attached by ClinVar (database versions not stated): gnomAD exomes below 0.00001; TOPMed below 0.00001; gnomAD 0.00001.
gnomAD v4.1: 2 of 1,596,982 alleles (0.00013%); highest among the groups gnomAD compares: Non-Finnish European, 0.00017%; no homozygotes.

Submissions (2):

Labcorp Genetics (formerly Invitae), Labcorp
Classification: Uncertain significance for Pheochromocytoma/paraganglioma syndrome 5; Mitochondrial complex II deficiency, nuclear type 1. Last evaluated: 2025-11-03. Review status: criteria provided, single submitter. Criteria: Invitae Variant Classification Sherloc (09022015). Collection method: clinical testing. Allele origin: germline.
Comment: This sequence change replaces glutamine, which is neutral and polar, with glutamic acid, which is acidic and polar, at codon 516 of the SDHA protein (p.Gln516Glu). This variant is not present in population databases (gnomAD no frequency). This variant has not been reported in the literature in individuals affected with SDHA-related conditions. ClinVar contains an entry for this variant (Variation ID: 570677). Invitae Evidence Modeling of protein sequence and biophysical properties (such as structural, functional, and spatial information, amino acid conservation, physicochemical variation, residue mobility, and thermodynamic stability) has been performed for this missense variant. However, the output from this modeling did not meet the statistical confidence thresholds required to predict the impact of this variant on SDHA protein function. In summary, the available evidence is currently insufficient to determine the role of this variant in disease. Therefore, it has been classified as a Variant of Uncertain Significance.

Ambry Genetics
Classification: Uncertain significance for Hereditary cancer-predisposing syndrome. Last evaluated: 2023-09-23. Review status: criteria provided, single submitter. Criteria: Ambry Variant Classification Scheme 2023. Collection method: clinical testing. Allele origin: germline.
Comment: The p.Q516E variant (also known as c.1546C>G), located in coding exon 11 of the SDHA gene, results from a C to G substitution at nucleotide position 1546. The glutamine at codon 516 is replaced by glutamic acid, an amino acid with highly similar properties. This amino acid position is conserved. In addition, this alteration is predicted to be deleterious by in silico analysis. Since supporting evidence is limited at this time, the clinical significance of this alteration remains unclear.